The following is an entry in ClinVar:

ClinVar aggregate classification (germline): Uncertain significance. Review status: criteria provided, multiple submitters, no conflicts (2 of 4 stars). 2 submissions from 2 submitters: Uncertain significance (2). Last evaluated 2024-03-12.

Conditions:
Primary ciliary dyskinesia. Also called: Ciliary dyskinesia. Identifiers: Orphanet 244, MedGen C0008780, MONDO:0016575, HP:0012265.

Allele frequency attached by ClinVar (database versions not stated): gnomAD exomes 0.00001; TOPMed 0.00002; gnomAD 0.00004; ExAC 0.00006; 1000 Genomes Project 30x 0.00016; 1000 Genomes Project 0.00020.

Submissions (2):

Ambry Genetics
Classification: Uncertain significance for Primary ciliary dyskinesia. Last evaluated: 2024-03-12. Review status: criteria provided, single submitter. Criteria: Ambry Variant Classification Scheme 2023. Collection method: clinical testing. Allele origin: germline.

Labcorp Genetics (formerly Invitae), Labcorp
Classification: Uncertain significance for Primary ciliary dyskinesia. Last evaluated: 2022-01-28. Review status: criteria provided, single submitter. Criteria: Invitae Variant Classification Sherloc (09022015). Collection method: clinical testing. Allele origin: germline.
Comment: In summary, the available evidence is currently insufficient to determine the role of this variant in disease. Therefore, it has been classified as a Variant of Uncertain Significance. Algorithms developed to predict the effect of missense changes on protein structure and function are either unavailable or do not agree on the potential impact of this missense change (SIFT: "Deleterious"; PolyPhen-2: "Probably Damaging"; Align-GVGD: "Class C0"). This variant has not been reported in the literature in individuals affected with DNAAF5-related conditions. This variant is present in population databases (rs558096583, gnomAD 0.03%), including at least one homozygous and/or hemizygous individual. This sequence change replaces threonine, which is neutral and polar, with methionine, which is neutral and non-polar, at codon 395 of the DNAAF5 protein (p.Thr395Met).

NM_017802.4(DNAAF5):c.1184C>T (p.Thr395Met)

Gene: DNAAF5 (dynein axonemal assembly factor 5; plus strand). Cytogenetic location: 7p22.3.
Variant type: single nucleotide variant.
Coding change: c.1184C>T on transcript NM_017802.4 (MANE Select); coding-DNA position 1184, C replaced by T.
Protein change: p.Thr395Met; replaces threonine 395 with methionine.
Molecular consequence: missense variant. On other transcripts: non-coding transcript variant (1).
Genome position (GRCh38, 1-based): chr7:754,748, C>T. VCF-style: chr7-754748-C-T. GRCh37 (hg19) VCF-style: chr7-794385-C-T.
Other names: c.1184C>T (NM_017802.3); short protein forms T395M.
Identifiers: ClinVar variation 2417176 (VCV002417176.6), dbSNP rs558096583, ClinGen allele CA4110622.